The following is an entry in ClinVar:

NM_001377.3(DYNC2H1):c.6626C>T (p.Thr2209Ile)

Gene: DYNC2H1 (dynein cytoplasmic 2 heavy chain 1; plus strand). Cytogenetic location: 11q22.3.
Variant type: single nucleotide variant.
Coding change: c.6626C>T on transcript NM_001377.3 (MANE Select); coding-DNA position 6626, C replaced by T.
Protein change: p.Thr2209Ile; replaces threonine 2209 with isoleucine.
Molecular consequence: missense variant.
Genome position (GRCh38, 1-based): chr11:103,185,044, C>T. VCF-style: chr11-103185044-C-T. GRCh37 (hg19) VCF-style: chr11-103055773-C-T.
Other names: c.6626C>T, p.Thr2209Ile (NM_001080463.2); short protein forms T2209I.
Identifiers: ClinVar variation 2127420 (VCV002127420.4), dbSNP rs2496273351, ClinGen allele CA382249236.

ClinVar aggregate classification (germline): Uncertain significance (1 of 4 stars; one submission).

Conditions:
Jeune thoracic dystrophy. Also called: Short-rib thoracic dysplasia; Jeune syndrome; Infantile thoracic dystrophy; Thoracic pelvic phalangeal dystrophy; Jeune's syndrome; Chondroectodermal dysplasia-like syndrome. Identifiers: Orphanet 474, MedGen C0265275, MONDO:0018770.

Submission:

Labcorp Genetics (formerly Invitae), Labcorp
Classification: Uncertain significance for Jeune thoracic dystrophy. Last evaluated: 2023-08-04. Review status: criteria provided, single submitter. Criteria: Invitae Variant Classification Sherloc (09022015). Collection method: clinical testing. Allele origin: germline.
Comment: ClinVar contains an entry for this variant (Variation ID: 2127420). This variant has not been reported in the literature in individuals affected with DYNC2H1-related conditions. This variant is not present in population databases (gnomAD no frequency). This sequence change replaces threonine, which is neutral and polar, with isoleucine, which is neutral and non-polar, at codon 2209 of the DYNC2H1 protein (p.Thr2209Ile). Advanced modeling of protein sequence and biophysical properties (such as structural, functional, and spatial information, amino acid conservation, physicochemical variation, residue mobility, and thermodynamic stability) performed at Invitae indicates that this missense variant is not expected to disrupt DYNC2H1 protein function. In summary, the available evidence is currently insufficient to determine the role of this variant in disease. Therefore, it has been classified as a Variant of Uncertain Significance.